The following is an entry in ClinVar:

NM_001378418.1(TCF20):c.2545C>A (p.Pro849Thr)

Gene: TCF20 (transcription factor 20; minus strand). Cytogenetic location: 22q13.2.
Variant type: single nucleotide variant.
Coding change: c.2545C>A on transcript NM_001378418.1 (MANE Select); coding-DNA position 2545, C replaced by A.
Protein change: p.Pro849Thr; replaces proline 849 with threonine.
Molecular consequence: missense variant.
Genome position (GRCh38, 1-based): chr22:42,212,761, G>T on the plus strand (C>A on the coding strand, the complement: TCF20 is on the minus strand). VCF-style: chr22-42212761-G-T. GRCh37 (hg19) VCF-style: chr22-42608767-G-T.
Other names: c.2545C>A, p.Pro849Thr (NM_005650.4, NM_181492.3); short protein forms P849T.
Identifiers: ClinVar variation 4715744 (VCV004715744.1).
Genomic context (GRCh38, chr22:42,212,761, plus strand): 5'-CACAGATCACTGATCTTCTTTCAGAGAGGGAACCCCCAGGCTCATGTGCTGATGACTGAG[G>T]CTCTATTTCAAACTTTCTGGGAATTGGATAGTCAGTCAAATTGATCTGTTTCATTTCAGG-3'
Protein context (NP_001365347.1, residues 839-859): YPIPRKFEIE[Pro849Thr]QSSAHEPGGS

ClinVar aggregate classification (germline): Uncertain significance (1 of 4 stars; one submission).

Submission:

Labcorp Genetics (formerly Invitae), Labcorp
Classification: Uncertain significance. Last evaluated: 2025-03-23. Review status: criteria provided, single submitter. Criteria: Invitae Variant Classification Sherloc (09022015). Collection method: clinical testing. Allele origin: germline.
Comment: This sequence change replaces proline, which is neutral and non-polar, with threonine, which is neutral and polar, at codon 849 of the TCF20 protein (p.Pro849Thr). This variant is not present in population databases (gnomAD no frequency). This variant has not been reported in the literature in individuals affected with TCF20-related conditions. An algorithm developed to predict the effect of missense changes on protein structure and function (PolyPhen-2) suggests that this variant is likely to be tolerated. In summary, the available evidence is currently insufficient to determine the role of this variant in disease. Therefore, it has been classified as a Variant of Uncertain Significance.